The following is an entry in ClinVar:

ClinVar aggregate classification (germline): Likely benign. Review status: reviewed by expert panel (3 of 4 stars). 3 submissions from 2 submitters: Likely benign (1). 2 of the submissions do not count toward it. Last evaluated 2025-10-08.

Conditions:
Glaucoma 1, open angle, A (GLC1A). Also called: Glaucoma, Dominant (Juvenile Onset). Identifiers: Orphanet 98977, MedGen C1842028, MONDO:0007664, OMIM 137750.
Open-angle glaucoma. Identifiers: MedGen C0017612, MONDO:0005338, HP:0012108.
Glaucoma. Identifiers: MedGen C0017601, MONDO:0005041, HP:0000501.

Allele frequency attached by ClinVar (database versions not stated): TOPMed 0.00002; gnomAD exomes 0.00003 and 0.00005; ExAC 0.00004.
gnomAD v4.1: 44 of 1,611,794 alleles (0.0027%); highest among the groups gnomAD compares: Middle Eastern, 0.033%; no homozygotes.

Submissions (3):

ClinGen Glaucoma Variant Curation Expert Panel
Classification: Likely benign for Open-angle glaucoma. Last evaluated: 2025-10-08. Review status: reviewed by expert panel. Criteria: ClinGen Glaucoma ACMG Specifications V2.0.0 Approved. Collection method: curation. Allele origin: germline. Inheritance: Autosomal dominant inheritance.
Comment: The c.801T>C variant in MYOC is a synonymous variant (p.Tyr267=). The highest minor allele frequency of this variant, in a genetic ancestry group ≥ 2,000 alleles was in the Middle Eastern genetic ancestry group of gnomAD (v4.1.0) = 0.0003299 (2 alleles out of 6,062), which which did not meet the ≥ 0.001 threshold nor the ≥5 alleles necessary to meet BS1. The highest minor allele frequency of this variant, in a population ≥ 10,000 alleles, was in the South Asian population of gnomAD (v4.1.0) = 0.0002745 (25 alleles out of 91,074), which did not meet the PM2_Supporting allele frequency threshold (≤ 0.0001) or the BS1 allele frequency threshold (≥ 0.001). The SpliceAI score = 0.01, which met the ≤ 0.1 threshold for BP4, suggesting that the variant does not impact MYOC function. This synonymous variant meets BP4, so BP7 is met. There was no functional evidence predicting a damaging or benign impact of this variant on MYOC function. This variant was identified in laboratory based testing, but has not yet been found in a proband with juvenile or primary open angle glaucoma. Additionally, as PM2_Supporting was not met, PS4 did not apply. In summary, this variant met the criteria to receive a score of -2 and to be classified as likely benign (likely benign classification range -2 to -6, adapted from PMID: 32720330) for primary open angle glaucoma based on the ACMG/AMP criteria met, as specified by the ClinGen Glaucoma VCEP (v2.0.0, 5 Dec 2024): BP4, BP7

Illumina Laboratory Services, Illumina
Classification: Uncertain significance for Glaucoma. Last evaluated: 2018-01-13. Review status: criteria provided, single submitter. Criteria: ICSL Variant Classification Criteria 13 December 2019. Collection method: clinical testing. Allele origin: germline. Not counted in ClinVar's aggregate classification.

Illumina Laboratory Services, Illumina
Classification: Uncertain significance for Glaucoma 1, open angle, A. Last evaluated: 2018-01-13. Review status: criteria provided, single submitter. Criteria: ICSL Variant Classification Criteria 13 December 2019. Collection method: clinical testing. Allele origin: germline. Not counted in ClinVar's aggregate classification.

NM_000261.2(MYOC):c.801T>C (p.Tyr267=)

Gene: MYOC (myocilin; minus strand). Cytogenetic location: 1q24.3.
Variant type: single nucleotide variant.
Coding change: c.801T>C on transcript NM_000261.2 (MANE Select); coding-DNA position 801, T replaced by C.
Protein change: p.Tyr267=; no amino-acid change (tyrosine 267 retained).
Molecular consequence: synonymous variant.
Genome position (GRCh38, 1-based): chr1:171,636,639, A>G on the plus strand (T>C on the coding strand, the complement: MYOC is on the minus strand). VCF-style: chr1-171636639-A-G. GRCh37 (hg19) VCF-style: chr1-171605779-A-G.
Other names: NM_000261.2(MYOC):c.801T>C; p.Tyr267=.
Identifiers: ClinVar variation 875083 (VCV000875083.6), dbSNP rs750333892, ClinGen allele CA1244154.